The following is an entry in ClinVar:

NM_001083116.3(PRF1):c.380A>G (p.Asn127Ser)

Gene: PRF1 (perforin 1; minus strand). Cytogenetic location: 10q22.1.
Variant type: single nucleotide variant.
Coding change: c.380A>G on transcript NM_001083116.3 (MANE Select); coding-DNA position 380, A replaced by G.
Protein change: p.Asn127Ser; replaces asparagine 127 with serine.
Molecular consequence: missense variant.
Genome position (GRCh38, 1-based): chr10:70,600,523, T>C on the plus strand (A>G on the coding strand, the complement: PRF1 is on the minus strand). VCF-style: chr10-70600523-T-C. GRCh37 (hg19) VCF-style: chr10-72360279-T-C.
Other names: c.380A>G, p.Asn127Ser (NM_005041.6); short protein forms N127S.
Identifiers: ClinVar variation 572802 (VCV000572802.7), dbSNP rs202091142, ClinGen allele CA209369727.
Genomic context (GRCh38, chr10:70,600,523, plus strand): 5'-ACAGACACATGCACATTGCTGGTGGGCTTAGGAGTCACGTCCAGCCCGACCTTCCAGTCG[T>C]TGCGGATGCTACGAGCCGCATCCCGGGCCACAGCTTCAGTGGAGCTGACTTTGGCCCTGG-3'
Protein context (NP_001076585.1, residues 117-137): VARDAARSIR[Asn127Ser]DWKVGLDVTP

ClinVar aggregate classification (germline): Conflicting classifications of pathogenicity. Review status: criteria provided, conflicting classifications (1 of 4 stars). 2 submissions from 2 submitters: Likely pathogenic (1); Uncertain significance (1). Last evaluated 2025-10-18.

Conditions:
Familial hemophagocytic lymphohistiocytosis 2 (FHL2). Also called: PRF1-Related Familial Hemophagocytic Lymphohistiocytosis (PRF1-fHLH). Identifiers: Orphanet 540, MedGen C1863727, MONDO:0011337, OMIM 603553.

Allele frequency attached by ClinVar (database versions not stated): gnomAD exomes below 0.00001.

Submissions (2):

Labcorp Genetics (formerly Invitae), Labcorp
Classification: Likely pathogenic for Familial hemophagocytic lymphohistiocytosis 2. Last evaluated: 2025-10-18. Review status: criteria provided, single submitter. Criteria: Invitae Variant Classification Sherloc (09022015). Collection method: clinical testing. Allele origin: germline.
Comment: This sequence change replaces asparagine, which is neutral and polar, with serine, which is neutral and polar, at codon 127 of the PRF1 protein (p.Asn127Ser). This variant is not present in population databases (gnomAD no frequency). This missense change has been observed in individual(s) with primary hemophagocytic lymphohistiocytosis (PMID: 29357941, 32375849). In at least one individual the data is consistent with being in trans (on the opposite chromosome) from a pathogenic variant. ClinVar contains an entry for this variant (Variation ID: 572802). Invitae Evidence Modeling of protein sequence and biophysical properties (such as structural, functional, and spatial information, amino acid conservation, physicochemical variation, residue mobility, and thermodynamic stability) indicates that this missense variant is expected to disrupt PRF1 protein function with a positive predictive value of 95%. In summary, the currently available evidence indicates that the variant is pathogenic, but additional data are needed to prove that conclusively. Therefore, this variant has been classified as Likely Pathogenic.

Women's Health and Genetics/Laboratory Corporation of America, LabCorp
Classification: Uncertain significance. Last evaluated: 2023-08-09. Review status: criteria provided, single submitter. Criteria: LabCorp Variant Classification Summary - May 2015. Collection method: clinical testing. Allele origin: germline.
Comment: Variant summary: PRF1 c.380A>G (p.Asn127Ser) results in a conservative amino acid change located in the membrane attack complex component/perforin (MACPF) domain (IPR020864) of the encoded protein sequence. Four of five in-silico tools predict a damaging effect of the variant on protein function. The variant was absent in 250712 control chromosomes (gnomAD). The available data on variant occurrences in the general population are insufficient to allow any conclusion about variant significance. c.380A>G has been reported in the literature in an individual affected with adult onset Hemophagocytic Lymphohistiocytosis (example: Jin_2018). These data do not allow any conclusion about variant significance. To our knowledge, no experimental evidence demonstrating an impact on protein function has been reported. The following publications have been ascertained in the context of this evaluation (PMID: 29357941, 32375849). One submitter has cited clinical-significance assessments for this variant to ClinVar after 2014 and has classified the variant as uncertain significance. Based on the evidence outlined above, the variant was classified as uncertain significance.

Literature cited by the submitters: PubMed 29357941 (cited by Labcorp Genetics (formerly Invitae), Labcorp and Women's Health and Genetics/Laboratory Corporation of America, LabCorp); PubMed 32375849 (cited by Labcorp Genetics (formerly Invitae), Labcorp and Women's Health and Genetics/Laboratory Corporation of America, LabCorp).